The following is an entry in ClinVar:

ClinVar aggregate classification (germline): Uncertain significance (1 of 4 stars; one submission).

Conditions:
Inborn genetic diseases. Identifiers: MedGen C0950123, MeSH D030342.

Submission:

Ambry Genetics
Classification: Uncertain significance for Inborn genetic diseases. Last evaluated: 2025-01-27. Review status: criteria provided, single submitter. Criteria: Ambry Variant Classification Scheme 2023. Collection method: clinical testing. Allele origin: germline.
Comment: The p.Q1409K variant (also known as c.4225C>A), located in coding exon 1 of the SAMD9L gene, results from a C to A substitution at nucleotide position 4225. The glutamine at codon 1409 is replaced by lysine, an amino acid with similar properties. This amino acid position is conserved. In addition, this alteration is predicted to be tolerated by in silico analysis. Based on the available evidence, the clinical significance of this variant remains unclear.

NM_152703.5(SAMD9L):c.4225C>A (p.Gln1409Lys)

Gene: SAMD9L (sterile alpha motif domain containing 9 like; minus strand). Cytogenetic location: 7q21.2.
Variant type: single nucleotide variant.
Coding change: c.4225C>A on transcript NM_152703.5 (MANE Select); coding-DNA position 4225, C replaced by A.
Protein change: p.Gln1409Lys; replaces glutamine 1409 with lysine.
Molecular consequence: missense variant.
Genome position (GRCh38, 1-based): chr7:93,131,747, G>T on the plus strand (C>A on the coding strand, the complement: SAMD9L is on the minus strand). VCF-style: chr7-93131747-G-T. GRCh37 (hg19) VCF-style: chr7-92761060-G-T.
Other names: c.4225C>A, p.Gln1409Lys (NM_001303496.3, NM_001303497.3, NM_001303498.3 and 5 more transcripts); short protein forms Q1409K.
Identifiers: ClinVar variation 3792363 (VCV003792363.1).